The following is an entry in ClinVar:

NM_133259.4(LRPPRC):c.533_540dup (p.Pro181fs)

Gene: LRPPRC (leucine rich pentatricopeptide repeat containing; minus strand). Cytogenetic location: 2p21.
Variant type: Duplication.
Coding change: c.533_540dup on transcript NM_133259.4 (MANE Select); coding-DNA positions 533 to 540, 8 bases duplicated (AATTCTCA; older notation c.533_540dupAATTCTCA).
Protein change: p.Pro181fs; shifts the reading frame from proline 181.
Molecular consequence: frameshift variant.
Genome position (GRCh38, 1-based): chr2:43,977,206-43,977,213, TGAGAATT duplicated on the plus strand (AATTCTCA on the coding strand, the reverse complement: LRPPRC is on the minus strand); duplicating any 8 consecutive bases within chr2:43,977,206-43,977,214 gives the same sequence; the c. name uses the placement nearest the transcript's 3' end. VCF-style (leftmost placement, unchanged base first): chr2-43977205-G-GTGAGAATT. GRCh37 (hg19) VCF-style: chr2-44204344-G-GTGAGAATT.
Other names: short protein forms P181fs.
Identifiers: ClinVar variation 5016115 (VCV005016115.1).
Genomic context (GRCh38, chr2:43,977,205, plus strand): 5'-AACTACTTACTCGATTTGGTTGAATGTTTGCTTCCTCCATTTTTGCCAGGAAATCAGTTG[G>GTGAGAATT]TGAGAATTTATATTCATTTTGAAGATAGACTTTAAGTAAAGCATTATAGTGACTCACATC-3'

ClinVar aggregate classification (germline): Pathogenic (1 of 4 stars; one submission).

Conditions:
Congenital lactic acidosis, Saguenay-Lac-Saint-Jean type (MC4DN5). Also called: CYTOCHROME c OXIDASE DEFICIENCY, FRENCH CANADIAN TYPE; COX DEFICIENCY, FRENCH CANADIAN TYPE; MITOCHONDRIAL COMPLEX IV DEFICIENCY, NUCLEAR TYPE 5. Identifiers: Orphanet 70472, MedGen C1857355, MONDO:0009069, OMIM 220111.

Submission:

Myriad Genetics, Inc.
Classification: Pathogenic for Congenital lactic acidosis, Saguenay-Lac-Saint-Jean type. Last evaluated: 2026-07-09. Review status: criteria provided, single submitter. Criteria: Myriad Autosomal Dominant, Autosomal Recessive and X-Linked Classification Criteria (2023). Collection method: clinical testing. Allele origin: unknown.
Comment: NM_133259.3(LRPPRC):c.533_540dup8(P181Nfs*21) is expected to be pathogenic in the context of Leigh syndrome, French-Canadian type. This variant is predicted to lead to an abnormal or absent protein product due to the creation of a premature termination codon in LRPPRC, a gene where loss-of-function variants are known to be pathogenic. Please note: this variant was assessed in the context of healthy population screening.